The following is an entry in ClinVar:

NM_001371596.2(MFSD8):c.923A>G (p.Tyr308Cys)

Gene: MFSD8 (major facilitator superfamily domain containing 8; minus strand). Cytogenetic location: 4q28.2.
Variant type: single nucleotide variant.
Coding change: c.923A>G on transcript NM_001371596.2 (MANE Select); coding-DNA position 923, A replaced by G.
Protein change: p.Tyr308Cys; replaces tyrosine 308 with cysteine.
Molecular consequence: missense variant.
Genome position (GRCh38, 1-based): chr4:127,930,758, T>C on the plus strand (A>G on the coding strand, the complement: MFSD8 is on the minus strand). VCF-style: chr4-127930758-T-C. GRCh37 (hg19) VCF-style: chr4-128851913-T-C.
Other names: c.722A>G, p.Tyr241Cys (NM_001363520.3); c.608A>G, p.Tyr203Cys (NM_001363521.3); c.788A>G, p.Tyr263Cys (NM_001371590.2); c.923A>G, p.Tyr308Cys (NM_001371591.2, NM_152778.4); c.929A>G, p.Tyr310Cys (NM_001371592.2); c.809A>G, p.Tyr270Cys (NM_001371593.2, NM_001410766.1); c.776A>G, p.Tyr259Cys (NM_001371594.2); c.641A>G, p.Tyr214Cys (NM_001371595.1); and 1 more; short protein forms Y203C, Y214C, Y241C, Y270C, Y259C, Y263C, Y308C, Y310C.
Identifiers: ClinVar variation 930986 (VCV000930986.5), dbSNP rs757345902, ClinGen allele CA3077337.
Genomic context (GRCh38, chr4:127,930,758, plus strand): 5'-TTAACTCCTAAGAAAATAACAACGGCTTCAACCCCAAGAGCAGCAAGTATTATGCCATTA[T>C]ATAACACAGCTTGTTCTTGAGTCCAGGCATACATATCCATTGTTAATGGAGTAATGATGC-3'
Protein context (NP_001358525.1, residues 298-318): YAWTQEQAVL[Tyr308Cys]NGIILAALGV

ClinVar aggregate classification (germline): Likely pathogenic (1 of 4 stars; one submission).

Conditions:
Neuronal ceroid lipofuscinosis 7 (CLN7). Also called: MFSD8-Related Neuronal Ceroid-Lipofuscinosis. Identifiers: Orphanet 168491, Orphanet 228366, MedGen C1838571, MONDO:0012588, OMIM 610951.

Allele frequency attached by ClinVar (database versions not stated): gnomAD exomes below 0.00001; TOPMed below 0.00001; ExAC 0.00001; gnomAD 0.00001.
gnomAD v4.1: 6 of 1,613,262 alleles (0.00037%); highest among the groups gnomAD compares: South Asian, 0.0011%; no homozygotes.

Submission:

Centre for Mendelian Genomics, University Medical Centre Ljubljana
Classification: Likely pathogenic for Neuronal ceroid lipofuscinosis 7. Last evaluated: 2018-12-24. Review status: criteria provided, single submitter. Criteria: ACMG Guidelines, 2015. Collection method: clinical testing. Allele origin: unknown. Affected: yes.
Comment: This variant was classified as: Likely pathogenic. The following ACMG criteria were applied in classifying this variant: PM2,PP3.